The following is an entry in ClinVar:

NM_006218.4(PIK3CA):c.45G>C (p.Leu15Phe)

Gene: PIK3CA (phosphatidylinositol-4,5-bisphosphate 3-kinase catalytic subunit alpha; plus strand). Cytogenetic location: 3q26.32.
Variant type: single nucleotide variant.
Coding change: c.45G>C on transcript NM_006218.4 (MANE Select); coding-DNA position 45, G replaced by C.
Protein change: p.Leu15Phe; replaces leucine 15 with phenylalanine.
Molecular consequence: missense variant.
Genome position (GRCh38, 1-based): chr3:179,198,870, G>C. VCF-style: chr3-179198870-G-C. GRCh37 (hg19) VCF-style: chr3-178916658-G-C.
Other names: short protein forms L15F.
Identifiers: ClinVar variation 1741804 (VCV001741804.5), dbSNP rs751930632, ClinGen allele CA2710491.
Genomic context (GRCh38, chr3:179,198,870, plus strand): 5'-GCAAAGAATCAGAACAATGCCTCCACGACCATCATCAGGTGAACTGTGGGGCATCCACTT[G>C]ATGCCCCCAAGAATCCTAGTAGAATGTTTACTACCAAATGGAATGATAGTGACTTTAGAA-3'
Protein context (NP_006209.2, residues 5-25): PSSGELWGIH[Leu15Phe]MPPRILVECL

ClinVar aggregate classification (germline): Uncertain significance. Review status: criteria provided, multiple submitters, no conflicts (2 of 4 stars). 2 submissions from 2 submitters: Uncertain significance (2). Last evaluated 2023-01-14.

Conditions:
Cowden syndrome (CS). Also called: Cowden's disease; Cowden's syndrome; Cowden disease. Identifiers: Orphanet 201, MedGen C0018553, MONDO:0016063. Disease mechanism: gain of function.
Inborn genetic diseases. Identifiers: MedGen C0950123, MeSH D030342.

Allele frequency attached by ClinVar (database versions not stated): ExAC 0.00001.

Submissions (2):

Labcorp Genetics (formerly Invitae), Labcorp
Classification: Uncertain significance for Cowden syndrome. Last evaluated: 2023-01-14. Review status: criteria provided, single submitter. Criteria: Invitae Variant Classification Sherloc (09022015). Collection method: clinical testing. Allele origin: germline.
Comment: In summary, the available evidence is currently insufficient to determine the role of this variant in disease. Therefore, it has been classified as a Variant of Uncertain Significance. Advanced modeling of protein sequence and biophysical properties (such as structural, functional, and spatial information, amino acid conservation, physicochemical variation, residue mobility, and thermodynamic stability) has been performed at Invitae for this missense variant, however the output from this modeling did not meet the statistical confidence thresholds required to predict the impact of this variant on PIK3CA protein function. ClinVar contains an entry for this variant (Variation ID: 1741804). This variant has not been reported in the literature in individuals affected with PIK3CA-related conditions. This variant is present in population databases (rs751930632, gnomAD 0.002%). This sequence change replaces leucine, which is neutral and non-polar, with phenylalanine, which is neutral and non-polar, at codon 15 of the PIK3CA protein (p.Leu15Phe).

Ambry Genetics
Classification: Uncertain significance for Inborn genetic diseases. Last evaluated: 2021-08-02. Review status: criteria provided, single submitter. Criteria: Ambry Variant Classification Scheme 2023. Collection method: clinical testing. Allele origin: germline.
Comment: The p.L15F variant (also known as c.45G>C), located in coding exon 1 of the PIK3CA gene, results from a G to C substitution at nucleotide position 45. The leucine at codon 15 is replaced by phenylalanine, an amino acid with highly similar properties. This amino acid position is conserved. In addition, the in silico prediction for this alteration is inconclusive. Since supporting evidence is limited at this time, the clinical significance of this alteration remains unclear.